The following is an entry in ClinVar:

ClinVar aggregate classification (germline): Likely benign. Review status: criteria provided, multiple submitters, no conflicts (2 of 4 stars). 4 submissions from 4 submitters: Likely benign (4). Last evaluated 2025-11-11.

Conditions:
Cardiovascular phenotype. Identifiers: MedGen CN230736.
Myofibrillar myopathy 6. Identifiers: Orphanet 199340, MedGen C2751831, MONDO:0013061, OMIM 612954.
Dilated cardiomyopathy 1HH (CMD1HH). Identifiers: Orphanet 154, MedGen C3151293, MONDO:0013479, OMIM 613881.

Allele frequency attached by ClinVar (database versions not stated): gnomAD exomes 0.00002 and 0.00003; TOPMed 0.00002; ExAC 0.00003; gnomAD 0.00007 and 0.00008; ESP Exome Variant Server 0.00008; 1000 Genomes Project 30x 0.00016; 1000 Genomes Project 0.00020.
gnomAD v4.1: 45 of 1,614,202 alleles (0.0028%); highest among the groups gnomAD compares: Middle Eastern, 0.13%; 1 homozygote.

Submissions (4):

Labcorp Genetics (formerly Invitae), Labcorp
Classification: Likely benign for Dilated cardiomyopathy 1HH; Myofibrillar myopathy 6. Last evaluated: 2025-11-11. Review status: criteria provided, single submitter. Criteria: Invitae Variant Classification Sherloc (09022015). Collection method: clinical testing. Allele origin: germline.

CeGaT Center for Human Genetics Tuebingen
Classification: Likely benign. Last evaluated: 2025-03-01. Review status: criteria provided, single submitter. Criteria: CeGaT Center For Human Genetics Tuebingen Variant Classification Criteria Version 2. Collection method: clinical testing. Allele origin: germline. Affected: yes. Observed: 1 variant allele.
Comment: BAG3: PP3, BS1

Ambry Genetics
Classification: Likely benign for Cardiovascular phenotype. Last evaluated: 2023-06-23. Review status: criteria provided, single submitter. Criteria: Ambry Variant Classification Scheme 2023. Collection method: clinical testing. Allele origin: germline.

GeneDx
Classification: Likely benign. Last evaluated: 2018-01-31. Review status: criteria provided, single submitter. Criteria: GeneDx Variant Classification (06012015). Collection method: clinical testing. Allele origin: germline. Affected: yes.
Comment: This variant is considered likely benign or benign based on one or more of the following criteria: it is a conservative change, it occurs at a poorly conserved position in the protein, it is predicted to be benign by multiple in silico algorithms, and/or has population frequency not consistent with disease.

Literature cited by the submitters: PubMed 30615648 (cited by Ambry Genetics); PubMed 33500567 (cited by Ambry Genetics).

NM_004281.4(BAG3):c.1423G>A (p.Asp475Asn)

Gene: BAG3 (BAG cochaperone 3; plus strand). Cytogenetic location: 10q26.11.
Variant type: single nucleotide variant.
Coding change: c.1423G>A on transcript NM_004281.4 (MANE Select); coding-DNA position 1423, G replaced by A.
Protein change: p.Asp475Asn; replaces aspartic acid 475 with asparagine.
Molecular consequence: missense variant.
Genome position (GRCh38, 1-based): chr10:119,676,977, G>A. VCF-style: chr10-119676977-G-A. GRCh37 (hg19) VCF-style: chr10-121436489-G-A.
Other names: short protein forms D475N.
Identifiers: ClinVar variation 239788 (VCV000239788.18), dbSNP rs138832242, ClinGen allele CA5716548.